The following is an entry in ClinVar:

ClinVar aggregate classification (germline): Uncertain significance. Review status: criteria provided, multiple submitters, no conflicts (2 of 4 stars). 2 submissions from 2 submitters: Uncertain significance (2). Last evaluated 2025-01-29.

Conditions:
Zellweger spectrum disorders (ZS). Also called: Zellweger syndrome; Zellweger Spectrum Disorder (ZSD); Zellweger Spectrum Disorder; Zellweger Spectrum. Identifiers: Orphanet 912, MedGen C0043459, MONDO:0019609.
PEX1-related disorder. Also called: PEX1-related condition.

Allele frequency attached by ClinVar (database versions not stated): gnomAD exomes 0.00001; ExAC 0.00003; gnomAD 0.00006; TOPMed 0.00006.
gnomAD v4.1: 24 of 1,613,918 alleles (0.0015%); highest among the groups gnomAD compares: Admixed American, 0.02%; no homozygotes.

Submissions (2):

PreventionGenetics, part of Exact Sciences
Classification: Uncertain significance for PEX1-related condition. Last evaluated: 2025-01-29. Review status: criteria provided, single submitter. Criteria: ACMG Guidelines, 2015. Collection method: clinical testing. Allele origin: germline.
Comment: The PEX1 c.3549G>C variant is predicted to result in the amino acid substitution p.Glu1183Asp. To our knowledge, this variant has not been reported in the literature. This variant is reported in 0.012% of alleles in individuals of Latino descent in gnomAD. At this time, the clinical significance of this variant is uncertain due to the absence of conclusive functional and genetic evidence.

Labcorp Genetics (formerly Invitae), Labcorp
Classification: Uncertain significance for Zellweger spectrum disorders. Last evaluated: 2022-07-26. Review status: criteria provided, single submitter. Criteria: Invitae Variant Classification Sherloc (09022015). Collection method: clinical testing. Allele origin: germline.
Comment: This sequence change replaces glutamic acid, which is acidic and polar, with aspartic acid, which is acidic and polar, at codon 1183 of the PEX1 protein (p.Glu1183Asp). This variant is present in population databases (rs746068061, gnomAD 0.01%). This variant has not been reported in the literature in individuals affected with PEX1-related conditions. Advanced modeling of protein sequence and biophysical properties (such as structural, functional, and spatial information, amino acid conservation, physicochemical variation, residue mobility, and thermodynamic stability) performed at Invitae indicates that this missense variant is not expected to disrupt PEX1 protein function. In summary, the available evidence is currently insufficient to determine the role of this variant in disease. Therefore, it has been classified as a Variant of Uncertain Significance.

NM_000466.3(PEX1):c.3549G>C (p.Glu1183Asp)

Genes: GATAD1 (GATA zinc finger domain containing 1; plus strand), PEX1 (peroxisomal biogenesis factor 1; minus strand). Cytogenetic location: 7q21.2.
Variant type: single nucleotide variant.
Coding change: c.3549G>C on transcript NM_000466.3 (MANE Select); coding-DNA position 3549, G replaced by C.
Protein change: p.Glu1183Asp; replaces glutamic acid 1183 with aspartic acid.
Molecular consequence: missense variant.
Genome position (GRCh38, 1-based): chr7:92,489,801, C>G on the plus strand (G>C on the coding strand, the complement: PEX1 is on the minus strand). VCF-style: chr7-92489801-C-G. GRCh37 (hg19) VCF-style: chr7-92119115-C-G.
Other names: c.3378G>C, p.Glu1126Asp (NM_001282677.2); c.2925G>C, p.Glu975Asp (NM_001282678.2); c.3549G>C (NM_000466.2); short protein forms E1126D, E1183D, E975D.
Identifiers: ClinVar variation 2140344 (VCV002140344.3), dbSNP rs746068061, ClinGen allele CA4340799.
Genomic context (GRCh38, chr7:92,489,801, plus strand): 5'-GATAATACTGATATCTGCCCTCAGTTGATCTCTTTGTTCTTGTGTAAGTTCTTGGCAACC[C>G]TCTTGTGAAGCTGTCCTTAACACTGGAGGCTGTGAAAACAACTGGTCTTTCCCAGGAACT-3'
Protein context (NP_000457.1, residues 1173-1193): QPPVLRTASQ[Glu1183Asp]GCQELTQEQR